The following is an entry in ClinVar:

NM_177438.3(DICER1):c.640T>C (p.Cys214Arg)

Gene: DICER1 (dicer 1, ribonuclease III; minus strand). Cytogenetic location: 14q32.13.
Variant type: single nucleotide variant.
Coding change: c.640T>C on transcript NM_177438.3 (MANE Select); coding-DNA position 640, T replaced by C.
Protein change: p.Cys214Arg; replaces cysteine 214 with arginine.
Molecular consequence: missense variant. On other transcripts: 5 prime UTR variant (1), non-coding transcript variant (6).
Genome position (GRCh38, 1-based): chr14:95,129,566, A>G on the plus strand (T>C on the coding strand, the complement: DICER1 is on the minus strand). VCF-style: chr14-95129566-A-G. GRCh37 (hg19) VCF-style: chr14-95595903-A-G.
Other names: c.640T>C, p.Cys214Arg (NM_001195573.1, NM_001271282.3, NM_001291628.2 and 14 more transcripts); c.358T>C, p.Cys120Arg (NM_001395686.1); c.235T>C, p.Cys79Arg (NM_001395687.1, NM_001395688.1, NM_001395689.1 and 3 more transcripts); c.73T>C, p.Cys25Arg (NM_001395691.1); c.-929T>C (NM_001395697.1); short protein forms C120R, C214R, C79R, C25R.
Identifiers: ClinVar variation 3840029 (VCV003840029.1).

ClinVar aggregate classification (germline): Uncertain significance (1 of 4 stars; one submission).

Conditions:
Hereditary cancer-predisposing syndrome. Also called: Hereditary neoplastic syndrome; Neoplastic Syndromes, Hereditary; Tumor predisposition; Hereditary Cancer Syndrome. Identifiers: Orphanet 140162, MedGen C0027672, MeSH D009386, MONDO:0015356.

Submission:

Ambry Genetics
Classification: Uncertain significance for Hereditary cancer-predisposing syndrome. Last evaluated: 2025-02-08. Review status: criteria provided, single submitter. Criteria: Ambry Variant Classification Scheme 2023. Collection method: clinical testing. Allele origin: germline.
Comment: The p.C214R variant (also known as c.640T>C), located in coding exon 5 of the DICER1 gene, results from a T to C substitution at nucleotide position 640. The cysteine at codon 214 is replaced by arginine, an amino acid with highly dissimilar properties. This amino acid position is conserved. In addition, this alteration is predicted to be deleterious by in silico analysis. Based on the available evidence, the clinical significance of this variant remains unclear.